The following is an entry in ClinVar:

NM_001048174.2(MUTYH):c.906G>T (p.Glu302Asp)

Gene: MUTYH (mutY DNA glycosylase; minus strand). Cytogenetic location: 1p34.1.
Variant type: single nucleotide variant.
Coding change: c.906G>T on transcript NM_001048174.2 (MANE Select); coding-DNA position 906, G replaced by T.
Protein change: p.Glu302Asp; replaces glutamic acid 302 with aspartic acid.
Molecular consequence: missense variant. On other transcripts: non-coding transcript variant (2).
Genome position (GRCh38, 1-based): chr1:45,332,030, C>A on the plus strand (G>T on the coding strand, the complement: MUTYH is on the minus strand). VCF-style: chr1-45332030-C-A. GRCh37 (hg19) VCF-style: chr1-45797702-C-A.
Other names: c.906G>T, p.Glu302Asp (NM_001048171.2, NM_001048173.2, NM_001293195.2); c.909G>T, p.Glu303Asp (NM_001048172.2); c.990G>T, p.Glu330Asp (NM_001128425.2); c.951G>T, p.Glu317Asp (NM_001293190.2); c.939G>T, p.Glu313Asp (NM_001293191.2); c.630G>T, p.Glu210Asp (NM_001293192.2, NM_001293196.2); c.561G>T, p.Glu187Asp (NM_001350650.2, NM_001350651.2); c.981G>T, p.Glu327Asp (NM_012222.3); short protein forms E330D, E210D, E313D, E187D, E303D, E302D, E317D, E327D.
Identifiers: ClinVar variation 533301 (VCV000533301.11), dbSNP rs1553127290, ClinGen allele CA340134024.

ClinVar aggregate classification (germline): Uncertain significance. Review status: criteria provided, multiple submitters, no conflicts (2 of 4 stars). 2 submissions from 2 submitters: Uncertain significance (2). Last evaluated 2023-06-09.

Conditions:
Hereditary cancer-predisposing syndrome. Also called: Tumor predisposition; Hereditary neoplastic syndrome; Neoplastic Syndromes, Hereditary; Hereditary Cancer Syndrome. Identifiers: Orphanet 140162, MedGen C0027672, MeSH D009386, MONDO:0015356.
Familial adenomatous polyposis 2. Also called: MUTYH Polyposis; COLORECTAL ADENOMATOUS POLYPOSIS, AUTOSOMAL RECESSIVE; ADENOMAS, MULTIPLE COLORECTAL, AUTOSOMAL RECESSIVE; MUTYH-associated polyposis; MUTYH-related attenuated familial adenomatous polyposis; Adenomas, multiple colorectal. Identifiers: Orphanet 220460, Orphanet 247798, MedGen C3272841, MONDO:0012041, OMIM 608456.

Allele frequency attached by ClinVar (database versions not stated): TOPMed below 0.00001.

Submissions (2):

Labcorp Genetics (formerly Invitae), Labcorp
Classification: Uncertain significance for Familial adenomatous polyposis 2. Last evaluated: 2023-06-09. Review status: criteria provided, single submitter. Criteria: Invitae Variant Classification Sherloc (09022015). Collection method: clinical testing. Allele origin: germline.
Comment: In summary, the available evidence is currently insufficient to determine the role of this variant in disease. Therefore, it has been classified as a Variant of Uncertain Significance. An algorithm developed to predict the effect of missense changes on protein structure and function (PolyPhen-2) suggests that this variant is likely to be tolerated. ClinVar contains an entry for this variant (Variation ID: 533301). This variant has not been reported in the literature in individuals affected with MUTYH-related conditions. This variant is not present in population databases (gnomAD no frequency). This sequence change replaces glutamic acid, which is acidic and polar, with aspartic acid, which is acidic and polar, at codon 330 of the MUTYH protein (p.Glu330Asp).

Ambry Genetics
Classification: Uncertain significance for Hereditary cancer-predisposing syndrome. Last evaluated: 2022-03-14. Review status: criteria provided, single submitter. Criteria: Ambry Variant Classification Scheme 2023. Collection method: clinical testing. Allele origin: germline.
Comment: The p.E330D variant (also known as c.990G>T), located in coding exon 11 of the MUTYH gene, results from a G to T substitution at nucleotide position 990. The glutamic acid at codon 330 is replaced by aspartic acid, an amino acid with highly similar properties. This amino acid position is conserved. In addition, this alteration is predicted to be tolerated by in silico analysis. Since supporting evidence is limited at this time, the clinical significance of this alteration remains unclear.